The following is an entry in ClinVar:

NM_020971.3(SPTBN4):c.7320-8C>T

Gene: SPTBN4 (spectrin beta, non-erythrocytic 4; plus strand). Cytogenetic location: 19q13.2.
Variant type: single nucleotide variant.
Coding change: c.7320-8C>T on transcript NM_020971.3 (MANE Select); 8 bases into the intron before coding-DNA position 7320, C replaced by T.
Molecular consequence: intron variant.
Genome position (GRCh38, 1-based): chr19:40,572,011, C>T. VCF-style: chr19-40572011-C-T. GRCh37 (hg19) VCF-style: chr19-41077917-C-T.
Identifiers: ClinVar variation 733896 (VCV000733896.5), dbSNP rs375612664, ClinGen allele CA9446948.

ClinVar aggregate classification (germline): Benign. Review status: criteria provided, single submitter (1 of 4 stars). 2 submissions from 2 submitters: Benign (1). 1 of the submissions does not count toward it. Last evaluated 2018-05-14.

Conditions:
SPTBN4-related disorder. Also called: SPTBN4-related condition.

Allele frequency attached by ClinVar (database versions not stated): gnomAD exomes 0.00007; ExAC 0.00032; 1000 Genomes Project 0.00060; 1000 Genomes Project 30x 0.00078; gnomAD 0.00090 and 0.00096; TOPMed 0.00106; ESP Exome Variant Server 0.00115.
gnomAD v4.1: 236 of 1,531,396 alleles (0.015%); highest among the groups gnomAD compares: African/African-American, 0.31%; no homozygotes.

Submissions (2):

Labcorp Genetics (formerly Invitae), Labcorp
Classification: Benign. Last evaluated: 2018-05-14. Review status: criteria provided, single submitter. Criteria: Invitae Variant Classification Sherloc (09022015). Collection method: clinical testing. Allele origin: germline.

PreventionGenetics, part of Exact Sciences
Classification: Likely benign for SPTBN4-related condition. Last evaluated: 2019-08-12. Review status: no assertion criteria provided. Collection method: clinical testing. Allele origin: germline. Not counted in ClinVar's aggregate classification.
Comment: This variant is classified as likely benign based on ACMG/AMP sequence variant interpretation guidelines (Richards et al. 2015 PMID: 25741868, with internal and published modifications).